The following is an entry in ClinVar:

NM_014754.3(PTDSS1):c.1414A>G (p.Lys472Glu)

Gene: PTDSS1 (phosphatidylserine synthase 1; plus strand). Cytogenetic location: 8q22.1.
Variant type: single nucleotide variant.
Coding change: c.1414A>G on transcript NM_014754.3 (MANE Select); coding-DNA position 1414, A replaced by G.
Protein change: p.Lys472Glu; replaces lysine 472 with glutamic acid.
Molecular consequence: missense variant.
Genome position (GRCh38, 1-based): chr8:96,333,558, A>G. VCF-style: chr8-96333558-A-G. GRCh37 (hg19) VCF-style: chr8-97345786-A-G.
Other names: c.976A>G, p.Lys326Glu (NM_001290225.2); short protein forms K326E, K472E.
Identifiers: ClinVar variation 2145592 (VCV002145592.1), dbSNP rs374099167, ClinGen allele CA4816852.

ClinVar aggregate classification (germline): Uncertain significance (1 of 4 stars; one submission).

Allele frequency attached by ClinVar (database versions not stated): ExAC 0.00002; gnomAD 0.00003; TOPMed 0.00003; ESP Exome Variant Server 0.00008; gnomAD exomes 0.00008.
gnomAD v4.1: 120 of 1,605,314 alleles (0.0075%); highest among the groups gnomAD compares: Non-Finnish European, 0.0095%; no homozygotes.

Submission:

Labcorp Genetics (formerly Invitae), Labcorp
Classification: Uncertain significance. Last evaluated: 2022-09-01. Review status: criteria provided, single submitter. Criteria: Invitae Variant Classification Sherloc (09022015). Collection method: clinical testing. Allele origin: germline.
Comment: This sequence change replaces lysine, which is basic and polar, with glutamic acid, which is acidic and polar, at codon 472 of the PTDSS1 protein (p.Lys472Glu). This variant is present in population databases (rs374099167, gnomAD 0.008%). This variant has not been reported in the literature in individuals affected with PTDSS1-related conditions. Algorithms developed to predict the effect of missense changes on protein structure and function (SIFT, PolyPhen-2, Align-GVGD) all suggest that this variant is likely to be tolerated. In summary, the available evidence is currently insufficient to determine the role of this variant in disease. Therefore, it has been classified as a Variant of Uncertain Significance.